The following is an entry in ClinVar:

NM_004360.5(CDH1):c.1022A>G (p.Tyr341Cys)

Gene: CDH1 (cadherin 1; plus strand). Cytogenetic location: 16q22.1.
Variant type: single nucleotide variant.
Coding change: c.1022A>G on transcript NM_004360.5 (MANE Select); coding-DNA position 1022, A replaced by G.
Protein change: p.Tyr341Cys; replaces tyrosine 341 with cysteine.
Molecular consequence: missense variant. On other transcripts: 5 prime UTR variant (2).
Genome position (GRCh38, 1-based): chr16:68,812,148, A>G. VCF-style: chr16-68812148-A-G. GRCh37 (hg19) VCF-style: chr16-68846051-A-G.
Other names: c.1022A>G, p.Tyr341Cys (NM_001317184.2); c.-594A>G (NM_001317185.2); c.-798A>G (NM_001317186.2); short protein forms Y341C.
Identifiers: ClinVar variation 959157 (VCV000959157.13), dbSNP rs1960854403, ClinGen allele CA396459944.

ClinVar aggregate classification (germline): Uncertain significance. Review status: criteria provided, multiple submitters, no conflicts (2 of 4 stars). 2 submissions from 2 submitters: Uncertain significance (2). Last evaluated 2026-08-11.

Conditions:
Hereditary diffuse gastric adenocarcinoma (HDGC). Also called: DIFFUSE GASTRIC AND LOBULAR BREAST CANCER SYNDROME. Identifiers: Orphanet 26106, MedGen C1708349, MONDO:0007648, OMIM 137215.
Hereditary cancer-predisposing syndrome. Also called: Neoplastic Syndromes, Hereditary; Hereditary Cancer Syndrome; Tumor predisposition; Hereditary neoplastic syndrome. Identifiers: Orphanet 140162, MedGen C0027672, MeSH D009386, MONDO:0015356.

Allele frequency attached by ClinVar (database versions not stated): TOPMed below 0.00001; gnomAD exomes below 0.00001.
gnomAD v4.1: 2 of 1,614,138 alleles (0.00012%); highest among the groups gnomAD compares: African/African-American, 0.0013%; no homozygotes.

Submissions (2):

Ambry Genetics
Classification: Uncertain significance for Hereditary cancer-predisposing syndrome. Last evaluated: 2026-08-11. Review status: criteria provided, single submitter. Criteria: Ambry Variant Classification Scheme 2023. Collection method: clinical testing. Allele origin: germline.
Comment: The p.Y341C variant (also known as c.1022A>G), located in coding exon 8 of the CDH1 gene, results from an A to G substitution at nucleotide position 1022. The tyrosine at codon 341 is replaced by cysteine, an amino acid with highly dissimilar properties. This amino acid position is highly conserved in available vertebrate species. In addition, this alteration is predicted to be deleterious by in silico analysis. Based on the available evidence, the clinical significance of this variant remains unclear.

Labcorp Genetics (formerly Invitae), Labcorp
Classification: Uncertain significance for Hereditary diffuse gastric adenocarcinoma. Last evaluated: 2025-12-22. Review status: criteria provided, single submitter. Criteria: Invitae Variant Classification Sherloc (09022015). Collection method: clinical testing. Allele origin: germline.
Comment: This sequence change replaces tyrosine, which is neutral and polar, with cysteine, which is neutral and slightly polar, at codon 341 of the CDH1 protein (p.Tyr341Cys). This variant is not present in population databases (gnomAD no frequency). This variant has not been reported in the literature in individuals affected with CDH1-related conditions. ClinVar contains an entry for this variant (Variation ID: 959157). An algorithm developed to predict the effect of missense changes on protein structure and function (PolyPhen-2) suggests that this variant is likely to be disruptive. In summary, the available evidence is currently insufficient to determine the role of this variant in disease. Therefore, it has been classified as a Variant of Uncertain Significance.